The following is an entry in ClinVar:

ClinVar aggregate classification (germline): Likely pathogenic (1 of 4 stars; one submission).

Conditions:
Lethal left ventricular non-compaction-seizures-hypotonia-cataract-developmental delay syndrome. Also called: Combined oxidative phosphorylation deficiency 31. Identifiers: Orphanet 478049, MedGen C4310661, MONDO:0014976, OMIM 617228.

Allele frequency attached by ClinVar (database versions not stated): TOPMed 0.00001 and 0.00002; gnomAD exomes below 0.00001; gnomAD 0.00001.
gnomAD v4.1: 2 of 1,584,340 alleles (0.00013%); highest among the groups gnomAD compares: African/African-American, 0.0027%; no homozygotes.

Submission:

Rady Children's Institute for Genomic Medicine, Rady Children's Hospital San Diego
Classification: Likely pathogenic for COMBINED OXIDATIVE PHOSPHORYLATION DEFICIENCY 31. Last evaluated: 2019-09-30. Review status: criteria provided, single submitter. Criteria: ACMG Guidelines, 2015. Collection method: clinical testing. Allele origin: germline. Affected: yes.
Comment: This variant affects the canonical splice donor site of intron 6 and is therefore predicted to interfere with splicing and result in loss of normal protein function. This variant has not been previously reported or functionally characterized in the literature to our knowledge. It is present in the heterozygous state in the gnomAD population database at a frequency of 0.0004% (1/232334) and thus is presumed to be rare. The c.786+1G>C variant is predicted by multiple in silico tools to have a deleterious effect on protein function. Based on the available evidence, the c.786+1G>C variant is classified as a Likely Pathogenic.

NM_005932.4(MIPEP):c.786+1G>C

Gene: MIPEP (mitochondrial intermediate peptidase; minus strand). Cytogenetic location: 13q12.12.
Variant type: single nucleotide variant.
Coding change: c.786+1G>C on transcript NM_005932.4 (MANE Select); the canonical splice donor site of the intron after coding-DNA position 786, G replaced by C.
Molecular consequence: splice donor variant.
Genome position (GRCh38, 1-based): chr13:23,870,012, C>G on the plus strand (G>C on the coding strand, the complement: MIPEP is on the minus strand). VCF-style: chr13-23870012-C-G. GRCh37 (hg19) VCF-style: chr13-24444151-C-G.
Identifiers: ClinVar variation 986338 (VCV000986338.1), dbSNP rs1408067328, ClinGen allele CA387527895.